The following is an entry in ClinVar:

ClinVar aggregate classification (germline): Uncertain significance. Review status: criteria provided, multiple submitters, no conflicts (2 of 4 stars). 2 submissions from 2 submitters: Uncertain significance (2). Last evaluated 2024-12-04.

Conditions:
CHARGE syndrome (CHARGE). Also called: Hittner Hirsch Kreh syndrome; Coloboma, heart anomaly, choanal atresia, retardation, genital and ear anomalies; CHARGE association; Hall-Hittner syndrome; CHARGE ASSOCIATION--COLOBOMA, HEART ANOMALY, CHOANAL ATRESIA, RETARDATION, GENITAL AND EAR ANOMALIES. Identifiers: Orphanet 138, MedGen C0265354, MONDO:0008965.

Allele frequency attached by ClinVar (database versions not stated): ESP Exome Variant Server 0.00008; gnomAD exomes 0.00001; TOPMed 0.00001; ExAC 0.00002.
gnomAD v4.1: 20 of 1,612,956 alleles (0.0012%); highest among the groups gnomAD compares: Non-Finnish European, 0.0017%; no homozygotes.

Submissions (2):

Ambry Genetics
Classification: Uncertain significance. Last evaluated: 2024-12-04. Review status: criteria provided, single submitter. Criteria: Ambry Variant Classification Scheme 2023. Collection method: clinical testing. Allele origin: germline.

Labcorp Genetics (formerly Invitae), Labcorp
Classification: Uncertain significance for CHARGE syndrome. Last evaluated: 2024-04-06. Review status: criteria provided, single submitter. Criteria: Invitae Variant Classification Sherloc (09022015). Collection method: clinical testing. Allele origin: germline.
Comment: This sequence change replaces aspartic acid, which is acidic and polar, with valine, which is neutral and non-polar, at codon 686 of the SEMA3E protein (p.Asp686Val). This variant is present in population databases (rs371910815, gnomAD 0.004%). This variant has not been reported in the literature in individuals affected with SEMA3E-related conditions. ClinVar contains an entry for this variant (Variation ID: 1004184). An algorithm developed to predict the effect of missense changes on protein structure and function (PolyPhen-2) suggests that this variant is likely to be tolerated. In summary, the available evidence is currently insufficient to determine the role of this variant in disease. Therefore, it has been classified as a Variant of Uncertain Significance.

NM_012431.3(SEMA3E):c.2057A>T (p.Asp686Val)

Gene: SEMA3E (semaphorin 3E; minus strand). Cytogenetic location: 7q21.11.
Variant type: single nucleotide variant.
Coding change: c.2057A>T on transcript NM_012431.3 (MANE Select); coding-DNA position 2057, A replaced by T.
Protein change: p.Asp686Val; replaces aspartic acid 686 with valine.
Molecular consequence: missense variant.
Genome position (GRCh38, 1-based): chr7:83,367,857, T>A on the plus strand (A>T on the coding strand, the complement: SEMA3E is on the minus strand). VCF-style: chr7-83367857-T-A. GRCh37 (hg19) VCF-style: chr7-82997173-T-A.
Other names: c.2057A>T (NM_012431.2); c.1877A>T, p.Asp626Val (NM_001178129.2); short protein forms D626V, D686V.
Identifiers: ClinVar variation 1004184 (VCV001004184.9), dbSNP rs371910815, ClinGen allele CA4321832.
Genomic context (GRCh38, chr7:83,367,857, plus strand): 5'-GCTCCCTGCGAGATGCTACTCTGAGCAGGACAAGGCATCCTGTGATGCCTGTCCTCCTCA[T>A]CGTCCTTGTTAAACATATCCTCGACTTTCTCCTCTTCCACTACCTCCAAGGTGATTTTAC-3'
Protein context (NP_036563.1, residues 676-696): EKVEDMFNKD[Asp686Val]EEDRHHRMPC